The following is an entry in ClinVar:

NM_000292.3(PHKA2):c.2889G>C (p.Glu963Asp)

Gene: PHKA2 (phosphorylase kinase regulatory subunit alpha 2; minus strand). Cytogenetic location: Xp22.13.
Variant type: single nucleotide variant.
Coding change: c.2889G>C on transcript NM_000292.3 (MANE Select); coding-DNA position 2889, G replaced by C.
Protein change: p.Glu963Asp; replaces glutamic acid 963 with aspartic acid.
Molecular consequence: missense variant.
Genome position (GRCh38, 1-based): chrX:18,905,777, C>G on the plus strand (G>C on the coding strand, the complement: PHKA2 is on the minus strand). VCF-style: chrX-18905777-C-G. GRCh37 (hg19) VCF-style: chrX-18923895-C-G.
Other names: short protein forms E963D.
Identifiers: ClinVar variation 3684291 (VCV003684291.3).

ClinVar aggregate classification (germline): Uncertain significance. Review status: criteria provided, multiple submitters, no conflicts (2 of 4 stars). 2 submissions from 2 submitters: Uncertain significance (2). Last evaluated 2024-12-04.

Conditions:
Glycogen storage disease IXa1. Also called: LIVER GLYCOGENOSIS, X-LINKED, TYPE I; GLYCOGEN STORAGE DISEASE VIII; GSD VIII; Glycogen storage disease 8. Identifiers: Orphanet 264580, MedGen C3694531, MONDO:0010598, OMIM 306000.

gnomAD v4.1: 6 of 1,204,117 alleles (0.0005%); highest among the groups gnomAD compares: Non-Finnish European, 0.00068%; no homozygotes.

Submissions (2):

Labcorp Genetics (formerly Invitae), Labcorp
Classification: Uncertain significance for Glycogen storage disease IXa1. Last evaluated: 2024-12-04. Review status: criteria provided, single submitter. Criteria: Invitae Variant Classification Sherloc (09022015). Collection method: clinical testing. Allele origin: germline.
Comment: This sequence change replaces glutamic acid, which is acidic and polar, with aspartic acid, which is acidic and polar, at codon 963 of the PHKA2 protein (p.Glu963Asp). This variant is present in population databases (rs781054504, gnomAD 0.002%). This variant has not been reported in the literature in individuals affected with PHKA2-related conditions. Invitae Evidence Modeling of protein sequence and biophysical properties (such as structural, functional, and spatial information, amino acid conservation, physicochemical variation, residue mobility, and thermodynamic stability) indicates that this missense variant is expected to disrupt PHKA2 protein function with a positive predictive value of 80%. In summary, the available evidence is currently insufficient to determine the role of this variant in disease. Therefore, it has been classified as a Variant of Uncertain Significance.

Blueprint Genetics
Classification: Uncertain significance. Last evaluated: 2020-01-23. Review status: criteria provided, single submitter. Criteria: ACMG Guidelines, 2015. Collection method: clinical testing. Allele origin: germline.